The following is an entry in ClinVar:

NC_000010.10:g.(?_55698555)_(55782977_?)dup

Gene: PCDH15 (protocadherin related 15; minus strand). Cytogenetic location: 10q21.1.
Variant type: Duplication.
Identifiers: ClinVar variation 3245032 (VCV003245032.1).

ClinVar aggregate classification (germline): Likely pathogenic (1 of 4 stars; one submission).

Submission:

Labcorp Genetics (formerly Invitae), Labcorp
Classification: Likely pathogenic. Last evaluated: 2023-06-14. Review status: criteria provided, single submitter. Criteria: Invitae Variant Classification Sherloc (09022015). Collection method: clinical testing. Allele origin: unknown.
Comment: In summary, the currently available evidence indicates that the variant is pathogenic, but additional data are needed to prove that conclusively. Therefore, this variant has been classified as Likely Pathogenic. This variant has not been reported in the literature in individuals affected with PCDH15-related conditions. This variant results in a copy number gain of the genomic region encompassing exon(s) 19-25 of the PCDH15 gene. While the exact position of this variant cannot be determined from the data, sub-genic copy number gains are generally in tandem (PMID: 25640679). This variant is predicted to be out-of-frame, and may result in an absent or disrupted protein product. Loss-of-function variants in PCDH15 are known to be pathogenic (PMID: 11398101, 11487575, 14570705).

Literature cited by the submitters: PubMed 25640679; PubMed 11398101; PubMed 11487575; PubMed 14570705.